The following is an entry in ClinVar:

NM_000289.6(PFKM):c.293_294insGATGTGTATAAGAGAC (p.Leu99fs)

Gene: PFKM (phosphofructokinase, muscle; plus strand). Cytogenetic location: 12q13.11.
Variant type: Insertion.
Coding change: c.293_294insGATGTGTATAAGAGAC on transcript NM_000289.6 (MANE Select); coding-DNA positions 293 to 294, GATGTGTATAAGAGAC inserted.
Protein change: p.Leu99fs; shifts the reading frame from leucine 99.
Molecular consequence: frameshift variant. On other transcripts: non-coding transcript variant (6).
Genome position: GRCh38 VCF-style: chr12-48132923-G-GGATGTGTATAAGAGAC. GRCh37 (hg19) VCF-style: chr12-48526706-G-GGATGTGTATAAGAGAC.
Other names: c.506_507insGATGTGTATAAGAGAC, p.Leu170fs (NM_001166686.2, NM_001354737.1, NM_001354738.1 and 2 more transcripts); c.293_294insGATGTGTATAAGAGAC, p.Leu99fs (NM_001166687.2, NM_001166688.2, NM_001354742.2 and 4 more transcripts); c.602_603insGATGTGTATAAGAGAC, p.Leu202fs (NM_001354735.1, NM_001354736.1); c.437_438insGATGTGTATAAGAGAC, p.Leu147fs (NM_001354740.1); c.317_318insGATGTGTATAAGAGAC, p.Leu107fs (NM_001354741.2); c.206_207insGATGTGTATAAGAGAC, p.Leu70fs (NM_001354745.2); c.143_144insGATGTGTATAAGAGAC, p.Leu49fs (NM_001354747.2, NM_001354748.2); short protein forms L107fs, L147fs, L170fs, L202fs, L49fs, L70fs, L99fs.
Identifiers: ClinVar variation 5016422 (VCV005016422.1).

ClinVar aggregate classification (germline): Pathogenic (1 of 4 stars; one submission).

Conditions:
Glycogen storage disease, type VII (GSD7). Also called: GSD VII; MUSCLE PHOSPHOFRUCTOKINASE DEFICIENCY; PFKM DEFICIENCY; TARUI DISEASE. Identifiers: Orphanet 371, MedGen C0017926, MONDO:0009295, OMIM 232800.

Submission:

Myriad Genetics, Inc.
Classification: Pathogenic for Glycogen storage disease, type VII. Last evaluated: 2024-05-14. Review status: criteria provided, single submitter. Criteria: Myriad Autosomal Dominant, Autosomal Recessive and X-Linked Classification Criteria (2023). Collection method: clinical testing. Allele origin: unknown.
Comment: NM_001166686.1(PFKM):c.506_507ins16(L170Mfs*26) is expected to be pathogenic in the context of glycogen storage disease, PFKM-related. This variant is predicted to lead to an abnormal or absent protein product due to the creation of a premature termination codon in PFKM, a gene where loss-of-function variants are known to be pathogenic. Please note: this variant was assessed in the context of healthy population screening.